The following is an entry in ClinVar:

NM_001017420.3(ESCO2):c.764_765del (p.Phe255fs)

Gene: ESCO2 (establishment of sister chromatid cohesion N-acetyltransferase 2; plus strand). Cytogenetic location: 8p21.1.
Variant type: Deletion.
Coding change: c.764_765del on transcript NM_001017420.3 (MANE Select); coding-DNA positions 764 to 765, 2 bases deleted (TT; older notation c.764_765delTT).
Protein change: p.Phe255fs; shifts the reading frame from phenylalanine 255.
Molecular consequence: frameshift variant.
Genome position (GRCh38, 1-based): chr8:27,777,072-27,777,073, TT deleted; deleting any 2 consecutive bases within chr8:27,777,070-27,777,073 gives the same sequence; the c. name uses the placement nearest the transcript's 3' end. VCF-style (leftmost placement, unchanged base first): chr8-27777069-CTT-C. GRCh37 (hg19) VCF-style: chr8-27634586-CTT-C.
Other names: short protein forms F255fs.
Identifiers: ClinVar variation 21249 (VCV000021249.9), dbSNP rs80359855, ClinGen allele CA341794.

ClinVar aggregate classification (germline): Pathogenic. Review status: criteria provided, multiple submitters, no conflicts (2 of 4 stars). 3 submissions from 3 submitters: Pathogenic (2). 1 of the submissions does not count toward it. Last evaluated 2024-12-23.

Conditions:
Roberts-SC phocomelia syndrome (RBS). Also called: Hypomelia hypotrichosis facial hemangioma syndrome; LONG BONE DEFICIENCIES ASSOCIATED WITH CLEFT LIP-PALATE; Pseudothalidomide syndrome; Appelt-Gerken-Lenz syndrome; ESCO2 Spectrum Disorder. Identifiers: Orphanet 3103, MedGen C0392475, MONDO:0100253, OMIM 268300.

Submissions (3):

Natera, Inc.
Classification: Pathogenic for Roberts syndrome. Last evaluated: 2024-12-23. Review status: criteria provided, single submitter. Criteria: Natera Variant Classification Schema (03/2026). Collection method: clinical testing. Allele origin: germline.
Comment: The c.764_765delTT variant in ESCO2 is a frameshift variant predicted to shift the reading frame beginning at codon 255 and leads to a stop codon 25 codons downstream. This variant is expected to result in nonsense mediated decay, truncation, or a dysfunctional protein product. This variant is rare in the general population with a frequency below the threshold expected for the associated phenotype(s). This variant has been observed in one or more individuals affected with the associated recessive disease, as either homozygous or compound heterozygous with a second variant (PMID: 26710928, 18411254). Given the available evidence, this variant is classified as Pathogenic.

Labcorp Genetics (formerly Invitae), Labcorp
Classification: Pathogenic. Last evaluated: 2023-04-26. Review status: criteria provided, single submitter. Criteria: Invitae Variant Classification Sherloc (09022015). Collection method: clinical testing. Allele origin: germline.
Comment: For these reasons, this variant has been classified as Pathogenic. ClinVar contains an entry for this variant (Variation ID: 21249). This premature translational stop signal has been observed in individual(s) with clinical features of Roberts syndrome (PMID: 18411254, 26710928). This variant is not present in population databases (gnomAD no frequency). This sequence change creates a premature translational stop signal (p.Phe255Cysfs*25) in the ESCO2 gene. It is expected to result in an absent or disrupted protein product. Loss-of-function variants in ESCO2 are known to be pathogenic (PMID: 15821733, 16380922).

GeneReviews
No classification provided. Condition: Roberts-SC phocomelia syndrome. Review status: no classification provided. Collection method: literature only. Allele origin: unknown. Not counted in ClinVar's aggregate classification.

Literature cited by the submitters: PubMed 26710928 (cited by Natera, Inc. and Labcorp Genetics (formerly Invitae), Labcorp); PubMed 18411254 (cited by 3 submitters); PubMed 15821733 (cited by Labcorp Genetics (formerly Invitae), Labcorp); PubMed 16380922 (cited by Labcorp Genetics (formerly Invitae), Labcorp); PubMed 20301332 (cited by GeneReviews); NCBI Bookshelf NBK1153 (cited by GeneReviews).